The following is an entry in ClinVar:

NM_031935.3(HMCN1):c.11812C>A (p.Leu3938Ile)

Gene: HMCN1 (hemicentin 1; plus strand). Cytogenetic location: 1q31.1.
Variant type: single nucleotide variant.
Coding change: c.11812C>A on transcript NM_031935.3 (MANE Select); coding-DNA position 11812, C replaced by A.
Protein change: p.Leu3938Ile; replaces leucine 3938 with isoleucine.
Molecular consequence: missense variant.
Genome position (GRCh38, 1-based): chr1:186,117,587, C>A. VCF-style: chr1-186117587-C-A. GRCh37 (hg19) VCF-style: chr1-186086719-C-A.
Other names: short protein forms L3938I.
Identifiers: ClinVar variation 2065189 (VCV002065189.3), dbSNP rs376333827, ClinGen allele CA1294156.

ClinVar aggregate classification (germline): Uncertain significance (1 of 4 stars; one submission).

Allele frequency attached by ClinVar (database versions not stated): ExAC 0.00003; TOPMed 0.00005; gnomAD 0.00007; ESP Exome Variant Server 0.00008; gnomAD exomes 0.00010.
gnomAD v4.1: 150 of 1,613,774 alleles (0.0093%); highest among the groups gnomAD compares: Non-Finnish European, 0.013%; no homozygotes.

Submission:

Labcorp Genetics (formerly Invitae), Labcorp
Classification: Uncertain significance. Last evaluated: 2024-07-23. Review status: criteria provided, single submitter. Criteria: Invitae Variant Classification Sherloc (09022015). Collection method: clinical testing. Allele origin: germline.
Comment: This sequence change replaces leucine, which is neutral and non-polar, with isoleucine, which is neutral and non-polar, at codon 3938 of the HMCN1 protein (p.Leu3938Ile). This variant is present in population databases (rs376333827, gnomAD 0.01%). This variant has not been reported in the literature in individuals affected with HMCN1-related conditions. ClinVar contains an entry for this variant (Variation ID: 2065189). An algorithm developed to predict the effect of missense changes on protein structure and function (PolyPhen-2) suggests that this variant is likely to be disruptive. In summary, the available evidence is currently insufficient to determine the role of this variant in disease. Therefore, it has been classified as a Variant of Uncertain Significance.